The following is an entry in ClinVar:

NM_006231.4(POLE):c.6673C>T (p.Arg2225Cys)

Gene: POLE (DNA polymerase epsilon, catalytic subunit; minus strand). Cytogenetic location: 12q24.33.
Variant type: single nucleotide variant.
Coding change: c.6673C>T on transcript NM_006231.4 (MANE Select); coding-DNA position 6673, C replaced by T.
Protein change: p.Arg2225Cys; replaces arginine 2225 with cysteine.
Molecular consequence: missense variant.
Genome position (GRCh38, 1-based): chr12:132,624,979, G>A on the plus strand (C>T on the coding strand, the complement: POLE is on the minus strand). VCF-style: chr12-132624979-G-A. GRCh37 (hg19) VCF-style: chr12-133201565-G-A.
Other names: short protein forms R2225C.
Identifiers: ClinVar variation 405833 (VCV000405833.14), dbSNP rs765125852, ClinGen allele CA6892017.
Genomic context (GRCh38, chr12:132,624,979, plus strand): 5'-TGAGGGCGAAGTCTCCCGCGCAGCTGCAGTACACAGGCATGCTGGTCTCCTTCACCCCGC[G>A]GCACTTCAGGCAGACCTGAAAGGGAGCAGCCCCGATGGGCGCCAGCCCTCCCGCGCTGGC-3'
Protein context (NP_006222.2, residues 2215-2235): TLQDLVCLKC[Arg2225Cys]GVKETSMPVY

ClinVar aggregate classification (germline): Conflicting classifications of pathogenicity. Review status: criteria provided, conflicting classifications (1 of 4 stars). 4 submissions from 4 submitters: Uncertain significance (3); Likely benign (1). Last evaluated 2025-07-30.

Conditions:
Facial dysmorphism-immunodeficiency-livedo-short stature syndrome. Also called: Facial dysmorphism, immunodeficiency, livedo, and short stature; FILS syndrome. Identifiers: Orphanet 352712, MedGen C3554576, MONDO:0014058, OMIM 615139.
Colorectal cancer, susceptibility to, 12 (CRCS12). Also called: COLORECTAL CANCER, SUSCEPTIBILITY TO, ON CHROMOSOME 12q24. Identifiers: Orphanet 220460, MedGen C3554460, MONDO:0014038, OMIM 615083.
Intrauterine growth retardation, metaphyseal dysplasia, adrenal hypoplasia congenita, genital anomalies, and immunodeficiency. Also called: IMAGEI SYNDROME. Identifiers: MedGen C5193036, MONDO:0032684, OMIM 618336.
Hereditary cancer-predisposing syndrome. Also called: Hereditary Cancer Syndrome; Hereditary neoplastic syndrome; Neoplastic Syndromes, Hereditary; Tumor predisposition. Identifiers: Orphanet 140162, MedGen C0027672, MeSH D009386, MONDO:0015356.

Allele frequency attached by ClinVar (database versions not stated): gnomAD 0.00001; TOPMed 0.00002.
gnomAD v4.1: 11 of 1,613,652 alleles (0.00068%); highest among the groups gnomAD compares: African/African-American, 0.0053%; no homozygotes.

Submissions (4):

Labcorp Genetics (formerly Invitae), Labcorp
Classification: Uncertain significance. Last evaluated: 2025-07-30. Review status: criteria provided, single submitter. Criteria: Invitae Variant Classification Sherloc (09022015). Collection method: clinical testing. Allele origin: germline.
Comment: This sequence change replaces arginine, which is basic and polar, with cysteine, which is neutral and slightly polar, at codon 2225 of the POLE protein (p.Arg2225Cys). This variant is present in population databases (rs765125852, gnomAD 0.007%). This missense change has been observed in individual(s) with papillary thyroid cancer (PMID: 33821390). ClinVar contains an entry for this variant (Variation ID: 405833). Invitae Evidence Modeling of protein sequence and biophysical properties (such as structural, functional, and spatial information, amino acid conservation, physicochemical variation, residue mobility, and thermodynamic stability) indicates that this missense variant is not expected to disrupt POLE protein function with a negative predictive value of 80%. In summary, the available evidence is currently insufficient to determine the role of this variant in disease. Therefore, it has been classified as a Variant of Uncertain Significance.

Ambry Genetics
Classification: Likely benign for Hereditary cancer-predisposing syndrome. Last evaluated: 2024-10-17. Review status: criteria provided, single submitter. Criteria: Ambry Variant Classification Scheme 2023. Collection method: clinical testing. Allele origin: germline.

Department of Pathology and Laboratory Medicine, Sinai Health System
Classification: Uncertain significance for Colorectal cancer, susceptibility to, 12; Facial dysmorphism-immunodeficiency-livedo-short stature syndrome; Intrauterine growth retardation, metaphyseal dysplasia, adrenal hypoplasia congenita, genital anomalies, and immunodeficiency. Last evaluated: 2023-11-16. Review status: criteria provided, single submitter. Criteria: ACMG Guidelines, 2015. Collection method: clinical testing. Allele origin: germline. Affected: no.

KCCC/NGS Laboratory, Kuwait Cancer Control Center
Classification: Uncertain significance for Colorectal cancer, susceptibility to, 12. Last evaluated: 2023-07-07. Review status: criteria provided, single submitter. Criteria: ACMG Guidelines, 2015. Collection method: clinical testing. Allele origin: unknown. Affected: yes.
Comment: This sequence change replaces arginine with cysteine at codon 2225 of the POLE protein (p.Arg2225Cys). This variant is present in population databases (rs765125852, ExAC 0.01%). This variant has not been reported in the literature in individuals with POLE-related disease. ClinVar contains an entry for this variant (Variation ID: 405833). Insilico predictions show benign computational verdict based on 9 benign predictions from BayesDel_addAF, EIGEN, FATHMM-MKL, LIST-S2, M-CAP, MVP, MutationAssessor, MutationTaster and PrimateAI vs 4 pathogenic predictions from DANN, DEOGEN2, PolyPhen, and SIFT and the position is not highly conserved. Therefore, it has been classified as a Variant of Uncertain Significance.

Literature cited by the submitters: PubMed 33821390 (cited by Labcorp Genetics (formerly Invitae), Labcorp).